The following is an entry in ClinVar:

NM_006431.3(CCT2):c.1600C>T (p.Pro534Ser)

Gene: CCT2 (chaperonin containing TCP1 subunit 2; plus strand). Cytogenetic location: 12q15.
Variant type: single nucleotide variant.
Coding change: c.1600C>T on transcript NM_006431.3 (MANE Select); coding-DNA position 1600, C replaced by T.
Protein change: p.Pro534Ser; replaces proline 534 with serine.
Molecular consequence: missense variant.
Genome position (GRCh38, 1-based): chr12:69,601,317, C>T. VCF-style: chr12-69601317-C-T. GRCh37 (hg19) VCF-style: chr12-69995097-C-T.
Other names: c.1459C>T, p.Pro487Ser (NM_001198842.2); c.1600C>T (NM_006431.2); short protein forms P487S, P534S.
Identifiers: ClinVar variation 2418458 (VCV002418458.7), dbSNP rs758333659, ClinGen allele CA6680935.

ClinVar aggregate classification (germline): Uncertain significance. Review status: criteria provided, multiple submitters, no conflicts (2 of 4 stars). 2 submissions from 2 submitters: Uncertain significance (2). Last evaluated 2025-10-29.

Allele frequency attached by ClinVar (database versions not stated): TOPMed below 0.00001; ExAC 0.00001; gnomAD 0.00001; gnomAD exomes 0.00001.

Submissions (2):

Labcorp Genetics (formerly Invitae), Labcorp
Classification: Uncertain significance. Last evaluated: 2025-10-29. Review status: criteria provided, single submitter. Criteria: Invitae Variant Classification Sherloc (09022015). Collection method: clinical testing. Allele origin: germline.
Comment: This sequence change replaces proline, which is neutral and non-polar, with serine, which is neutral and polar, at codon 534 of the CCT2 protein (p.Pro534Ser). This variant is present in population databases (rs758333659, gnomAD 0.005%). This variant has not been reported in the literature in individuals affected with CCT2-related conditions. ClinVar contains an entry for this variant (Variation ID: 2418458). An algorithm developed to predict the effect of missense changes on protein structure and function (PolyPhen-2) suggests that this variant is likely to be tolerated. In summary, the available evidence is currently insufficient to determine the role of this variant in disease. Therefore, it has been classified as a Variant of Uncertain Significance.

Ambry Genetics
Classification: Uncertain significance. Last evaluated: 2025-03-08. Review status: criteria provided, single submitter. Criteria: Ambry Variant Classification Scheme 2023. Collection method: clinical testing. Allele origin: germline.